The following is an entry in ClinVar:

NM_014641.3(MDC1):c.3363C>T (p.Thr1121=)

Genes: MDC1 (mediator of DNA damage checkpoint 1; minus strand), MDC1-AS1 (MDC1 antisense RNA 1; plus strand). Cytogenetic location: 6p21.33.
Variant type: single nucleotide variant.
Coding change: c.3363C>T on transcript NM_014641.3 (MANE Select); coding-DNA position 3363, C replaced by T.
Protein change: p.Thr1121=; no amino-acid change (threonine 1121 retained).
Molecular consequence: synonymous variant.
Genome position (GRCh38, 1-based): chr6:30,705,820, G>A on the plus strand (C>T on the coding strand, the complement: MDC1 is on the minus strand). VCF-style: chr6-30705820-G-A. GRCh37 (hg19) VCF-style: chr6-30673597-G-A.
Identifiers: ClinVar variation 4821377 (VCV004821377.4).

ClinVar aggregate classification (germline): Likely benign (1 of 4 stars; one submission).

gnomAD v4.1: 240 of 1,612,520 alleles (0.015%); highest among the groups gnomAD compares: Middle Eastern, 0.38%; no homozygotes.

Submission:

CeGaT Center for Human Genetics Tuebingen
Classification: Likely benign. Last evaluated: 2026-02-01. Review status: criteria provided, single submitter. Criteria: CeGaT Center For Human Genetics Tuebingen Variant Classification Criteria Version 2. Collection method: clinical testing. Allele origin: germline. Affected: yes. Observed: 1 variant allele.
Comment: MDC1: BP4, BP7